The following is an entry in ClinVar:

ClinVar aggregate classification (germline): Uncertain significance (1 of 4 stars; one submission).

Conditions:
Vissers-Bodmer syndrome. Identifiers: MedGen C5436647, MONDO:0033618, OMIM 619033.

Submission:

Center for Human Genetics and Genomic Medicine, Uniklinik Rwth Aachen
Classification: Uncertain significance for Vissers-Bodmer syndrome. Last evaluated: 2021-02-09. Review status: criteria provided, single submitter. Criteria: ACMG Guidelines, 2015. Collection method: clinical testing. Allele origin: unknown. Inheritance: Autosomal dominant inheritance. Affected: yes. Observed: 1 variant allele, 1 heterozygote.
Comment: The variant has not yet been reported in the relevant databases (dbSNP151, gnomAD, ClinVar) or the literature. In bioinformatics, the change is classified as "probably disease causing" (PolyPhen2, Mutation Taster, SIFT). The variant is currently classified as a "variant of uncertain clinical significance" (ACMG criteria).

NM_016284.5(CNOT1):c.3710C>T (p.Pro1237Leu)

Gene: CNOT1 (CCR4-NOT transcription complex subunit 1; minus strand). Cytogenetic location: 16q21.
Variant type: single nucleotide variant.
Coding change: c.3710C>T on transcript NM_016284.5 (MANE Select); coding-DNA position 3710, C replaced by T.
Protein change: p.Pro1237Leu; replaces proline 1237 with leucine.
Molecular consequence: missense variant. On other transcripts: non-coding transcript variant (1).
Genome position (GRCh38, 1-based): chr16:58,547,226, G>A on the plus strand (C>T on the coding strand, the complement: CNOT1 is on the minus strand). VCF-style: chr16-58547226-G-A. GRCh37 (hg19) VCF-style: chr16-58581130-G-A.
Other names: c.3695C>T, p.Pro1232Leu (NM_001265612.2); c.3710C>T, p.Pro1237Leu (NM_206999.3); short protein forms P1232L, P1237L.
Identifiers: ClinVar variation 996137 (VCV000996137.2), dbSNP rs2040285777, ClinGen allele CA396171423.